The following is an entry in ClinVar:

NM_203446.3(SYNJ1):c.2242_2243del (p.Gln748fs)

Gene: SYNJ1 (synaptojanin 1; minus strand). Cytogenetic location: 21q22.11.
Variant type: Deletion.
Coding change: c.2242_2243del on transcript NM_203446.3 (MANE Select); coding-DNA positions 2242 to 2243, 2 bases deleted (CA; older notation c.2242_2243delCA).
Protein change: p.Gln748fs; shifts the reading frame from glutamine 748.
Molecular consequence: frameshift variant.
Genome position (GRCh38, 1-based): chr21:32,664,974-32,664,975, TG deleted on the plus strand (CA on the coding strand, the reverse complement: SYNJ1 is on the minus strand); deleting any 2 consecutive bases within chr21:32,664,974-32,664,976 gives the same sequence; the c. name uses the placement nearest the transcript's 3' end. VCF-style (leftmost placement, unchanged base first): chr21-32664973-CTG-C. GRCh37 (hg19) VCF-style: chr21-34037283-CTG-C.
Other names: c.2242_2243del, p.Gln748fs (NM_001160302.2); c.2227_2228del, p.Gln743fs (NM_001160306.2); c.2359_2360del, p.Gln787fs (NM_003895.4); short protein forms Q743fs, Q748fs, Q787fs.
Identifiers: ClinVar variation 3750614 (VCV003750614.2).

ClinVar aggregate classification (germline): Pathogenic (1 of 4 stars; one submission).

Conditions:
Developmental and epileptic encephalopathy, 53. Also called: Epileptic encephalopathy, early infantile, 53. Identifiers: MedGen C4479313, MONDO:0033362, OMIM 617389.
Early-onset Parkinson disease 20. Also called: PARKINSON DISEASE 20, AUTOSOMAL RECESSIVE EARLY-ONSET. Identifiers: Orphanet 391411, MedGen C3809824, MONDO:0014233, OMIM 615530.

Submission:

Labcorp Genetics (formerly Invitae), Labcorp
Classification: Pathogenic for Developmental and epileptic encephalopathy, 53; Early-onset Parkinson disease 20. Last evaluated: 2024-08-11. Review status: criteria provided, single submitter. Criteria: Invitae Variant Classification Sherloc (09022015). Collection method: clinical testing. Allele origin: germline.
Comment: This sequence change creates a premature translational stop signal (p.Gln787Alafs*23) in the SYNJ1 gene. It is expected to result in an absent or disrupted protein product. Loss-of-function variants in SYNJ1 are known to be pathogenic (PMID: 25316601, 27435091). This variant is not present in population databases (gnomAD no frequency). This variant has not been reported in the literature in individuals affected with SYNJ1-related conditions. For these reasons, this variant has been classified as Pathogenic.

Literature cited by the submitters: PubMed 25316601; PubMed 27435091.